The following is an entry in ClinVar:

NM_024642.5(GALNT12):c.1306C>G (p.Leu436Val)

Gene: GALNT12 (polypeptide N-acetylgalactosaminyltransferase 12; plus strand). Cytogenetic location: 9q22.33.
Variant type: single nucleotide variant.
Coding change: c.1306C>G on transcript NM_024642.5 (MANE Select); coding-DNA position 1306, C replaced by G.
Protein change: p.Leu436Val; replaces leucine 436 with valine.
Molecular consequence: missense variant.
Genome position (GRCh38, 1-based): chr9:98,840,095, C>G. VCF-style: chr9-98840095-C-G. GRCh37 (hg19) VCF-style: chr9-101602377-C-G.
Other names: short protein forms L436V.
Identifiers: ClinVar variation 934451 (VCV000934451.13), dbSNP rs1297882734, ClinGen allele CA374221086.

ClinVar aggregate classification (germline): Uncertain significance. Review status: criteria provided, multiple submitters, no conflicts (2 of 4 stars). 2 submissions from 2 submitters: Uncertain significance (2). Last evaluated 2024-04-30.

Allele frequency attached by ClinVar (database versions not stated): TOPMed below 0.00001.

Submissions (2):

Ambry Genetics
Classification: Uncertain significance. Last evaluated: 2024-04-30. Review status: criteria provided, single submitter. Criteria: Ambry Variant Classification Scheme 2023. Collection method: clinical testing. Allele origin: germline.
Comment: The p.L436V variant (also known as c.1306C>G), located in coding exon 7 of the GALNT12 gene, results from a C to G substitution at nucleotide position 1306. The leucine at codon 436 is replaced by valine, an amino acid with highly similar properties. This amino acid position is conserved. In addition, this alteration is predicted to be tolerated by in silico analysis. Since supporting evidence is limited at this time, the clinical significance of this alteration remains unclear.

Labcorp Genetics (formerly Invitae), Labcorp
Classification: Uncertain significance. Last evaluated: 2020-07-08. Review status: criteria provided, single submitter. Criteria: Invitae Variant Classification Sherloc (09022015). Collection method: clinical testing. Allele origin: germline.
Comment: This sequence change replaces leucine with valine at codon 436 of the GALNT12 protein (p.Leu436Val). The leucine residue is highly conserved and there is a small physicochemical difference between leucine and valine. This variant is not present in population databases (ExAC no frequency). This variant has not been reported in the literature in individuals with GALNT12-related conditions. Algorithms developed to predict the effect of missense changes on protein structure and function are either unavailable or do not agree on the potential impact of this missense change (SIFT: "Deleterious"; PolyPhen-2: "Benign"; Align-GVGD: "Class C0"). In summary, the available evidence is currently insufficient to determine the role of this variant in disease. Therefore, it has been classified as a Variant of Uncertain Significance.